The following is an entry in ClinVar:

ClinVar aggregate classification (germline): Uncertain significance (1 of 4 stars; one submission).

Allele frequency attached by ClinVar (database versions not stated): gnomAD exomes 0.00001.
gnomAD v4.1: 8 of 1,614,052 alleles (0.0005%); highest among the groups gnomAD compares: Non-Finnish European, 0.00068%; no homozygotes.

Submission:

Labcorp Genetics (formerly Invitae), Labcorp
Classification: Uncertain significance. Last evaluated: 2025-07-10. Review status: criteria provided, single submitter. Criteria: Invitae Variant Classification Sherloc (09022015). Collection method: clinical testing. Allele origin: germline.
Comment: This sequence change replaces leucine, which is neutral and non-polar, with valine, which is neutral and non-polar, at codon 1393 of the MYO15A protein (p.Leu1393Val). This variant is present in population databases (rs770464144, gnomAD 0.0009%). This variant has not been reported in the literature in individuals affected with MYO15A-related conditions. ClinVar contains an entry for this variant (Variation ID: 2853361). Invitae Evidence Modeling of protein sequence and biophysical properties (such as structural, functional, and spatial information, amino acid conservation, physicochemical variation, residue mobility, and thermodynamic stability) indicates that this missense variant is expected to disrupt MYO15A protein function with a positive predictive value of 80%. In summary, the available evidence is currently insufficient to determine the role of this variant in disease. Therefore, it has been classified as a Variant of Uncertain Significance.

NM_016239.4(MYO15A):c.4177C>G (p.Leu1393Val)

Gene: MYO15A (myosin XVA; plus strand). Cytogenetic location: 17p11.2.
Variant type: single nucleotide variant.
Coding change: c.4177C>G on transcript NM_016239.4 (MANE Select); coding-DNA position 4177, C replaced by G.
Protein change: p.Leu1393Val; replaces leucine 1393 with valine.
Molecular consequence: missense variant.
Genome position (GRCh38, 1-based): chr17:18,131,502, C>G. VCF-style: chr17-18131502-C-G. GRCh37 (hg19) VCF-style: chr17-18034816-C-G.
Other names: short protein forms L1393V.
Identifiers: ClinVar variation 2853361 (VCV002853361.3), dbSNP rs770464144, ClinGen allele CA288395790.